The following is an entry in ClinVar:

NM_000258.3(MYL3):c.451G>A (p.Ala151Thr)

Gene: MYL3 (myosin light chain 3; minus strand). Cytogenetic location: 3p21.31.
Variant type: single nucleotide variant.
Coding change: c.451G>A on transcript NM_000258.3 (MANE Select); coding-DNA position 451, G replaced by A.
Protein change: p.Ala151Thr; replaces alanine 151 with threonine.
Molecular consequence: missense variant.
Genome position (GRCh38, 1-based): chr3:46,859,505, C>T on the plus strand (G>A on the coding strand, the complement: MYL3 is on the minus strand). VCF-style: chr3-46859505-C-T. GRCh37 (hg19) VCF-style: chr3-46900995-C-T.
Other names: short protein forms A151T.
Identifiers: ClinVar variation 222737 (VCV000222737.14), dbSNP rs869025486, ClinGen allele CA352093.
Genomic context (GRCh38, chr3:46,859,505, plus strand): 5'-AGTTGGGGTAGGGGAGGAGGCTGCCCTCACCCAGCGTGGCCAGCACGTGGCGAAGCTCAG[C>T]ACCCATGACAGTGCCATTGCCCTCCTTGTCGAAGACCCGCAGCCCCTCCACGAAGTCCTC-3'
Protein context (NP_000249.1, residues 141-161): DKEGNGTVMG[Ala151Thr]ELRHVLATLG

ClinVar aggregate classification (germline): Conflicting classifications of pathogenicity. Review status: criteria provided, conflicting classifications (1 of 4 stars). 2 submissions from 2 submitters: Pathogenic (1); Uncertain significance (1). Last evaluated 2025-05-13.

Conditions:
Hypertrophic cardiomyopathy. Also called: HYPERTROPHIC MYOCARDIOPATHY. Identifiers: Orphanet 217569, MedGen C0007194, MeSH D002312, MONDO:0005045, HP:0001639.

Submissions (2):

GeneDx
Classification: Pathogenic. Last evaluated: 2025-05-13. Review status: criteria provided, single submitter. Criteria: GeneDx Variant Classification Process June 2021. Collection method: clinical testing. Allele origin: germline. Affected: yes.
Comment: Not observed at significant frequency in large population cohorts (gnomAD); In silico analysis supports that this missense variant has a deleterious effect on protein structure/function and also supports a deleterious effect on splicing; In silico analysis supports a deleterious effect on splicing; Identified in patients with HCM in published literature (PMID: 36204818, 37466024); This variant is associated with the following publications: (PMID: 30681346, 36204818, 31513939, 37466024)

Labcorp Genetics (formerly Invitae), Labcorp
Classification: Uncertain significance for Hypertrophic cardiomyopathy. Last evaluated: 2022-07-19. Review status: criteria provided, single submitter. Criteria: Invitae Variant Classification Sherloc (09022015). Collection method: clinical testing. Allele origin: germline.
Comment: This sequence change replaces alanine, which is neutral and non-polar, with threonine, which is neutral and polar, at codon 151 of the MYL3 protein (p.Ala151Thr). This variant is not present in population databases (gnomAD no frequency). This missense change has been observed in individual(s) with hypertrophic cardiomyopathy (PMID: 31513939). ClinVar contains an entry for this variant (Variation ID: 222737). Algorithms developed to predict the effect of missense changes on protein structure and function are either unavailable or do not agree on the potential impact of this missense change (SIFT: "Deleterious"; PolyPhen-2: "Possibly Damaging"; Align-GVGD: "Class C0"). Algorithms developed to predict the effect of sequence changes on RNA splicing suggest that this variant may create or strengthen a splice site. In summary, the available evidence is currently insufficient to determine the role of this variant in disease. Therefore, it has been classified as a Variant of Uncertain Significance.

Literature cited by the submitters: PubMed 31513939 (cited by Labcorp Genetics (formerly Invitae), Labcorp).